The following is an entry in ClinVar:

ClinVar aggregate classification (germline): Uncertain significance (1 of 4 stars; one submission).

gnomAD v4.1: 1 of 1,613,764 alleles (0.000062%); highest among the groups gnomAD compares: Non-Finnish European, 0.000085%; no homozygotes.

Submission:

CeGaT Center for Human Genetics Tuebingen
Classification: Uncertain significance. Last evaluated: 2025-08-01. Review status: criteria provided, single submitter. Criteria: CeGaT Center For Human Genetics Tuebingen Variant Classification Criteria Version 2. Collection method: clinical testing. Allele origin: germline. Affected: yes. Observed: 1 variant allele.
Comment: F2: PM2, BP4

NM_000506.5(F2):c.1630A>G (p.Ile544Val)

Gene: F2 (coagulation factor II, thrombin; plus strand). Cytogenetic location: 11p11.2.
Variant type: single nucleotide variant.
Coding change: c.1630A>G on transcript NM_000506.5 (MANE Select); coding-DNA position 1630, A replaced by G.
Protein change: p.Ile544Val; replaces isoleucine 544 with valine.
Molecular consequence: missense variant.
Genome position (GRCh38, 1-based): chr11:46,729,537, A>G. VCF-style: chr11-46729537-A-G. GRCh37 (hg19) VCF-style: chr11-46751087-A-G.
Other names: short protein forms I544V.
Identifiers: ClinVar variation 4084882 (VCV004084882.8).